The following is an entry in ClinVar:

NM_001350162.2(TEX15):c.4206T>G (p.Thr1402=)

Gene: TEX15 (testis expressed 15, meiosis and synapsis associated; minus strand). Cytogenetic location: 8p12.
Variant type: single nucleotide variant.
Coding change: c.4206T>G on transcript NM_001350162.2 (MANE Select); coding-DNA position 4206, T replaced by G.
Protein change: p.Thr1402=; no amino-acid change (threonine 1402 retained).
Molecular consequence: synonymous variant.
Genome position (GRCh38, 1-based): chr8:30,845,961, A>C on the plus strand (T>G on the coding strand, the complement: TEX15 is on the minus strand). VCF-style: chr8-30845961-A-C. GRCh37 (hg19) VCF-style: chr8-30703477-A-C.
Other names: c.3057T>G (NM_031271.3).
Identifiers: ClinVar variation 4988490 (VCV004988490.1).

ClinVar aggregate classification (germline): Likely benign (1 of 4 stars; one submission).

Conditions:
TEX15-related disorder. Also called: TEX15-related condition.

gnomAD v4.1: 9 of 1,612,664 alleles (0.00056%); highest among the groups gnomAD compares: African/African-American, 0.0013%; no homozygotes.

Submission:

PreventionGenetics, part of Exact Sciences
Classification: Likely benign for TEX15-related condition. Last evaluated: 2024-12-27. Review status: criteria provided, single submitter. Criteria: ACMG Guidelines, 2015. Collection method: clinical testing. Allele origin: germline.
Comment: This variant is classified as likely benign based on ACMG/AMP sequence variant interpretation guidelines (Richards et al. 2015 PMID: 25741868, with internal and published modifications).